The following is an entry in ClinVar:

NM_007294.4(BRCA1):c.4012A>T (p.Lys1338Ter)

Genes: BRCA1 (BRCA1 DNA repair associated; minus strand), LOC126862571 (BRD4-independent group 4 enhancer GRCh37_chr17:41243136-41244335; plus strand). Cytogenetic location: 17q21.31.
Variant type: single nucleotide variant.
Coding change: c.4012A>T on transcript NM_007294.4 (MANE Select); coding-DNA position 4012, A replaced by T.
Protein change: p.Lys1338Ter; replaces lysine 1338 with a stop codon.
Molecular consequence: nonsense. On other transcripts: intron variant (135).
Genome position (GRCh38, 1-based): chr17:43,091,519, T>A on the plus strand (A>T on the coding strand, the complement: BRCA1 is on the minus strand). VCF-style: chr17-43091519-T-A. GRCh37 (hg19) VCF-style: chr17-41243536-T-A.
Other names: c.3799A>T, p.Lys1267Ter (NM_001407571.1, NM_001407853.1, NM_001407894.1 and 9 more transcripts); c.4012A>T, p.Lys1338Ter (NM_001407581.1, NM_001407582.1, NM_001407583.1 and 30 more transcripts); c.4009A>T, p.Lys1337Ter (NM_001407587.1, NM_001407590.1, NM_001407591.1 and 22 more transcripts); c.4003A>T, p.Lys1335Ter (NM_001407646.1, NM_001407647.1); c.3889A>T, p.Lys1297Ter (NM_001407648.1, NM_001407664.1, NM_001407665.1 and 19 more transcripts); c.3886A>T, p.Lys1296Ter (NM_001407649.1, NM_001407670.1, NM_001407671.1 and 11 more transcripts); c.3934A>T, p.Lys1312Ter (NM_001407653.1, NM_001407654.1, NM_001407655.1 and 4 more transcripts); c.3931A>T, p.Lys1311Ter (NM_001407659.1, NM_001407660.1, NM_001407661.1 and 1 more transcripts); and 41 more; short protein forms K1170*, K1249*, K1250*, K1270*, K1271*, K1335*, K1210*, K1211*.
Identifiers: ClinVar variation 2450680 (VCV002450680.3), dbSNP rs12946486, ClinGen allele CA10593935.

ClinVar aggregate classification (germline): Pathogenic/Likely pathogenic. Review status: criteria provided, multiple submitters, no conflicts (2 of 4 stars). 2 submissions from 2 submitters: Pathogenic (1); Likely pathogenic (1). Last evaluated 2023-02-06.

Conditions:
Breast-ovarian cancer, familial, susceptibility to, 1 (BROVCA1). Also called: BRCA1 Hereditary Breast and Ovarian Cancer; OVARIAN CANCER, SUSCEPTIBILITY TO. Identifiers: Orphanet 145, MedGen C2676676, MONDO:0011450, OMIM 604370. Disease mechanism: loss of function.
Hereditary cancer-predisposing syndrome. Also called: Neoplastic Syndromes, Hereditary; Tumor predisposition; Hereditary Cancer Syndrome; Hereditary neoplastic syndrome. Identifiers: Orphanet 140162, MedGen C0027672, MeSH D009386, MONDO:0015356.

Submissions (2):

Ambry Genetics
Classification: Pathogenic for Hereditary cancer-predisposing syndrome. Last evaluated: 2023-02-06. Review status: criteria provided, single submitter. Criteria: Ambry Variant Classification Scheme 2023. Collection method: clinical testing. Allele origin: germline.
Comment: The p.K1338* pathogenic mutation (also known as c.4012A>T), located in coding exon 9 of the BRCA1 gene, results from an A to T substitution at nucleotide position 4012. This changes the amino acid from a lysine to a stop codon within coding exon 9. This alteration was identified in a cohort of 826 unselected Chinese ovarian cancer patients (Wu X et al. Int J Gynecol Cancer, 2017 Oct;27:1650-1657). This variant is considered to be rare based on population cohorts in the Genome Aggregation Database (gnomAD). In addition to the clinical data presented in the literature, this alteration is expected to result in loss of function by premature protein truncation or nonsense-mediated mRNA decay. As such, this alteration is interpreted as a disease-causing mutation.

New York Genome Center
Classification: Likely pathogenic for Breast-ovarian cancer, familial, susceptibility to, 1. Last evaluated: 2022-09-09. Review status: criteria provided, single submitter. Criteria: NYGC Assertion Criteria 2020. Collection method: clinical testing. Allele origin: germline. Observed: 1 heterozygote.
Comment: The c.4012A>T (p.Lys1338Ter) variant identified in the BRCA1 gene is a nonsense variant predicted to lead to the premature termination of the protein at amino acid 1338/1864 (exon 10/23). This variant is absent from population databases (gnomADv2.1.1, gnomADv3.1.2, BRAVO-TOPMed, Allof Us) suggesting it is not a common benign variant in the populations represented in those databases. While this variant is absent from ClinVar, a nonsense variant at the adjacent downstream amino acid (p.Glu1339Ter) has been reviewed by an Expert Panel and classified as Pathogenic (VarID:37559). This variant has been reported in an individual with hereditary breast and/or ovarian cancer in the literature [PMID:31825140]. Loss of function variants including nonsense and frameshift variants are a known mechanism of disease for BRCA1 [PMID:20301425]. Given its predicted deleterious nature and absence in population databases, the c.4012A>T (p.Lys1338Ter) variant identified in the BRCA1 gene is reported as Likely Pathogenic.

Literature cited by the submitters: PubMed 28692638 (cited by Ambry Genetics).